The following is an entry in ClinVar:

ClinVar aggregate classification (germline): Uncertain significance (1 of 4 stars; one submission).

Conditions:
Cardiovascular phenotype. Identifiers: MedGen CN230736.

Submission:

Ambry Genetics
Classification: Uncertain significance for Cardiovascular phenotype. Last evaluated: 2023-10-20. Review status: criteria provided, single submitter. Criteria: Ambry Variant Classification Scheme 2023. Collection method: clinical testing. Allele origin: germline.
Comment: The p.G104D variant (also known as c.311G>A), located in coding exon 4 of the NEXN gene, results from a G to A substitution at nucleotide position 311. The glycine at codon 104 is replaced by aspartic acid, an amino acid with similar properties. This amino acid position is conserved. In addition, this alteration is predicted to be deleterious by in silico analysis. Since supporting evidence is limited at this time, the clinical significance of this alteration remains unclear.

NM_144573.4(NEXN):c.311G>A (p.Gly104Asp)

Genes: NEXN (nexilin F-actin binding protein; plus strand), LOC126805765 (BRD4-independent group 4 enhancer GRCh37_chr1:78383688-78384887; plus strand). Cytogenetic location: 1p31.1.
Variant type: single nucleotide variant.
Coding change: c.311G>A on transcript NM_144573.4 (MANE Select); coding-DNA position 311, G replaced by A.
Protein change: p.Gly104Asp; replaces glycine 104 with aspartic acid.
Molecular consequence: missense variant.
Genome position (GRCh38, 1-based): chr1:77,918,137, G>A. VCF-style: chr1-77918137-G-A. GRCh37 (hg19) VCF-style: chr1-78383822-G-A.
Other names: c.119G>A, p.Gly40Asp (NM_001172309.2); short protein forms G104D, G40D.
Identifiers: ClinVar variation 3229176 (VCV003229176.1), dbSNP rs2526788043, ClinGen allele CA340886439.